The following is an entry in ClinVar:

ClinVar aggregate classification (germline): Uncertain significance (1 of 4 stars; one submission).

gnomAD v4.1: 6 of 1,610,452 alleles (0.00037%); highest among the groups gnomAD compares: Non-Finnish European, 0.00051%; no homozygotes.

Submission:

GeneDx
Classification: Uncertain significance. Last evaluated: 2026-04-15. Review status: criteria provided, single submitter. Criteria: GeneDx Variant Classification Process June 2021. Collection method: clinical testing. Allele origin: germline.
Comment: Not observed at significant frequency in large population cohorts (gnomAD); In silico analysis suggests that this missense variant does not alter protein structure/function; Has not been previously published as pathogenic or benign to our knowledge

NM_006907.4(PYCR1):c.22G>T (p.Ala8Ser)

Gene: PYCR1 (pyrroline-5-carboxylate reductase 1; minus strand). Cytogenetic location: 17q25.3.
Variant type: single nucleotide variant.
Coding change: c.22G>T on transcript NM_006907.4 (MANE Select); coding-DNA position 22, G replaced by T.
Protein change: p.Ala8Ser; replaces alanine 8 with serine.
Molecular consequence: missense variant.
Genome position (GRCh38, 1-based): chr17:81,936,793, C>A on the plus strand (G>T on the coding strand, the complement: PYCR1 is on the minus strand). VCF-style: chr17-81936793-C-A. GRCh37 (hg19) VCF-style: chr17-79894669-C-A.
Other names: c.22G>T, p.Ala8Ser (NM_001282279.2, NM_001282280.2, NM_001330523.2 and 1 more transcripts); c.103G>T, p.Ala35Ser (NM_001282281.2); short protein forms A35S, A8S.
Identifiers: ClinVar variation 5037751 (VCV005037751.1).